The following is an entry in ClinVar:

ClinVar aggregate classification (germline): Uncertain significance (1 of 4 stars; one submission).

Conditions:
Cardiovascular phenotype. Identifiers: MedGen CN230736.

Submission:

Ambry Genetics
Classification: Uncertain significance for Cardiovascular phenotype. Last evaluated: 2022-01-10. Review status: criteria provided, single submitter. Criteria: Ambry Variant Classification Scheme 2023. Collection method: clinical testing. Allele origin: germline.
Comment: The p.G110V variant (also known as c.329G>T), located in coding exon 2 of the FKBP14 gene, results from a G to T substitution at nucleotide position 329. The glycine at codon 110 is replaced by valine, an amino acid with dissimilar properties. This amino acid position is conserved. In addition, this alteration is predicted to be tolerated by in silico analysis. Since supporting evidence is limited at this time, the clinical significance of this alteration remains unclear.

NM_017946.4(FKBP14):c.329G>T (p.Gly110Val)

Genes: FKBP14 (FKBP prolyl isomerase 14; minus strand), FKBP14-AS1 (FKBP14 antisense RNA 1; plus strand). Cytogenetic location: 7p14.3.
Variant type: single nucleotide variant.
Coding change: c.329G>T on transcript NM_017946.4 (MANE Select); coding-DNA position 329, G replaced by T.
Protein change: p.Gly110Val; replaces glycine 110 with valine.
Molecular consequence: missense variant. On other transcripts: non-coding transcript variant (1).
Genome position (GRCh38, 1-based): chr7:30,022,685, C>A on the plus strand (G>T on the coding strand, the complement: FKBP14 is on the minus strand). VCF-style: chr7-30022685-C-A. GRCh37 (hg19) VCF-style: chr7-30062301-C-A.
Other names: short protein forms G110V.
Identifiers: ClinVar variation 1729937 (VCV001729937.2), dbSNP rs1244619961, ClinGen allele CA367117302.